The following is an entry in ClinVar:

ClinVar aggregate classification (germline): Uncertain significance (1 of 4 stars; one submission).

Allele frequency attached by ClinVar (database versions not stated): gnomAD exomes below 0.00001; gnomAD 0.00003; TOPMed 0.00003.
gnomAD v4.1: 9 of 1,604,698 alleles (0.00056%); highest among the groups gnomAD compares: African/African-American, 0.011%; no homozygotes.

Submission:

Labcorp Genetics (formerly Invitae), Labcorp
Classification: Uncertain significance. Last evaluated: 2024-12-02. Review status: criteria provided, single submitter. Criteria: Invitae Variant Classification Sherloc (09022015). Collection method: clinical testing. Allele origin: germline.
Comment: This sequence change replaces histidine, which is basic and polar, with tyrosine, which is neutral and polar, at codon 911 of the PITPNM3 protein (p.His911Tyr). The frequency data for this variant in the population databases is considered unreliable, as metrics indicate poor data quality at this position in the gnomAD database. This missense change has been observed in individual(s) with clinical features of cone-rod dystrophy (internal data). ClinVar contains an entry for this variant (Variation ID: 964379). Invitae Evidence Modeling of protein sequence and biophysical properties (such as structural, functional, and spatial information, amino acid conservation, physicochemical variation, residue mobility, and thermodynamic stability) indicates that this missense variant is not expected to disrupt PITPNM3 protein function with a negative predictive value of 80%. In summary, the available evidence is currently insufficient to determine the role of this variant in disease. Therefore, it has been classified as a Variant of Uncertain Significance.

NM_031220.4(PITPNM3):c.2731C>T (p.His911Tyr)

Gene: PITPNM3 (PITPNM family member 3; minus strand). Cytogenetic location: 17p13.2.
Variant type: single nucleotide variant.
Coding change: c.2731C>T on transcript NM_031220.4 (MANE Select); coding-DNA position 2731, C replaced by T.
Protein change: p.His911Tyr; replaces histidine 911 with tyrosine.
Molecular consequence: missense variant.
Genome position (GRCh38, 1-based): chr17:6,455,532, G>A on the plus strand (C>T on the coding strand, the complement: PITPNM3 is on the minus strand). VCF-style: chr17-6455532-G-A. GRCh37 (hg19) VCF-style: chr17-6358852-G-A.
Other names: c.2623C>T, p.His875Tyr (NM_001165966.2); short protein forms H911Y, H875Y.
Identifiers: ClinVar variation 964379 (VCV000964379.10), dbSNP rs949371164, ClinGen allele CA287301338.